The following is an entry in ClinVar:

ClinVar aggregate classification (germline): Likely benign (1 of 4 stars; one submission).

Conditions:
PCNT-related disorder. Also called: PCNT-related condition.

gnomAD v4.1: 10 of 1,614,010 alleles (0.00062%); highest among the groups gnomAD compares: South Asian, 0.0033%; no homozygotes.

Submission:

PreventionGenetics, part of Exact Sciences
Classification: Likely benign for PCNT-related condition. Last evaluated: 2026-03-27. Review status: criteria provided, single submitter. Criteria: ACMG Guidelines, 2015. Collection method: clinical testing. Allele origin: germline.
Comment: This variant is classified as likely benign based on ACMG/AMP sequence variant interpretation guidelines (Richards et al. 2015 PMID: 25741868, with internal and published modifications).

NM_006031.6(PCNT):c.4761A>G (p.Lys1587=)

Gene: PCNT (pericentrin; plus strand). Cytogenetic location: 21q22.3.
Variant type: single nucleotide variant.
Coding change: c.4761A>G on transcript NM_006031.6 (MANE Select); coding-DNA position 4761, A replaced by G.
Protein change: p.Lys1587=; no amino-acid change (lysine 1587 retained).
Molecular consequence: synonymous variant.
Genome position (GRCh38, 1-based): chr21:46,399,766, A>G. VCF-style: chr21-46399766-A-G. GRCh37 (hg19) VCF-style: chr21-47819680-A-G.
Other names: c.4407A>G, p.Lys1469= (NM_001315529.2).
Identifiers: ClinVar variation 4987207 (VCV004987207.1).